The following is an entry in ClinVar:

ClinVar aggregate classification (germline): Uncertain significance (1 of 4 stars; one submission).

Conditions:
Arrhythmogenic right ventricular dysplasia 13. Also called: ARRHYTHMOGENIC RIGHT VENTRICULAR CARDIOMYOPATHY 13; Arrhythmogenic right ventricular dysplasia, familial, 13. Identifiers: MedGen C3810138, MONDO:0000908, OMIM 615616.

Submission:

Labcorp Genetics (formerly Invitae), Labcorp
Classification: Uncertain significance for Arrhythmogenic right ventricular dysplasia 13. Last evaluated: 2023-07-25. Review status: criteria provided, single submitter. Criteria: Invitae Variant Classification Sherloc (09022015). Collection method: clinical testing. Allele origin: germline.
Comment: This sequence change falls in intron 6 of the CTNNA3 gene. It does not directly change the encoded amino acid sequence of the CTNNA3 protein. This variant is not present in population databases (gnomAD no frequency). This variant has not been reported in the literature in individuals affected with CTNNA3-related conditions. Algorithms developed to predict the effect of sequence changes on RNA splicing suggest that this variant may create or strengthen a splice site. In summary, the available evidence is currently insufficient to determine the role of this variant in disease. Therefore, it has been classified as a Variant of Uncertain Significance.

NM_013266.4(CTNNA3):c.844-17A>G

Gene: CTNNA3 (catenin alpha 3; minus strand). Cytogenetic location: 10q21.3.
Variant type: single nucleotide variant.
Coding change: c.844-17A>G on transcript NM_013266.4 (MANE Select); 17 bases into the intron before coding-DNA position 844, A replaced by G.
Molecular consequence: intron variant.
Genome position (GRCh38, 1-based): chr10:67,180,537, T>C on the plus strand (A>G on the coding strand, the complement: CTNNA3 is on the minus strand). VCF-style: chr10-67180537-T-C. GRCh37 (hg19) VCF-style: chr10-68940295-T-C.
Other names: c.844-17A>G (NM_001127384.3); c.880-17A>G (NM_001291133.2).
Identifiers: ClinVar variation 2971827 (VCV002971827.3), dbSNP rs2547990919, ClinGen allele CA2574565355.